The following is an entry in ClinVar:

NM_007315.4(STAT1):c.856A>C (p.Lys286Gln)

Gene: STAT1 (signal transducer and activator of transcription 1; minus strand). Cytogenetic location: 2q32.2.
Variant type: single nucleotide variant.
Coding change: c.856A>C on transcript NM_007315.4 (MANE Select); coding-DNA position 856, A replaced by C.
Protein change: p.Lys286Gln; replaces lysine 286 with glutamine.
Molecular consequence: missense variant. On other transcripts: intron variant (1).
Genome position (GRCh38, 1-based): chr2:190,995,149, T>G on the plus strand (A>C on the coding strand, the complement: STAT1 is on the minus strand). VCF-style: chr2-190995149-T-G. GRCh37 (hg19) VCF-style: chr2-191859875-T-G.
Other names: c.856A>C, p.Lys286Gln (NM_001384880.1, NM_001384882.1, NM_001384886.1 and 4 more transcripts); c.862A>C, p.Lys288Gln (NM_001384881.1, NM_001384884.1); c.757A>C, p.Lys253Gln (NM_001384883.1); c.766A>C, p.Lys256Gln (NM_001384890.1); c.892A>C, p.Lys298Gln (NM_001384891.1); c.785+2707A>C (NM_001384885.1); short protein forms K286Q, K253Q, K256Q, K288Q, K298Q.
Identifiers: ClinVar variation 848283 (VCV000848283.1), dbSNP rs1693752377, ClinGen allele CA349921853.

ClinVar aggregate classification (germline): Likely pathogenic (1 of 4 stars; one submission).

Conditions:
Mendelian susceptibility to mycobacterial diseases due to partial STAT1 deficiency. Also called: IMMUNODEFICIENCY 31A, MYCOBACTERIOSIS, AUTOSOMAL DOMINANT; STAT1 DEFICIENCY, AUTOSOMAL DOMINANT; Immunodeficiency 31a. Identifiers: Orphanet 319595, MedGen C4013950, MONDO:0013956, OMIM 614892.
Immunodeficiency 31B. Also called: STAT1 DEFICIENCY, AUTOSOMAL RECESSIVE; IMMUNODEFICIENCY 31B, MYCOBACTERIAL AND VIRAL INFECTIONS, AUTOSOMAL RECESSIVE. Identifiers: Orphanet 391311, MedGen C3151088, MONDO:0013427, OMIM 613796.
Autoimmune enteropathy and endocrinopathy - susceptibility to chronic infections syndrome. Also called: Immunodeficiency 31C; Immunodeficiency 31C, autosomal dominant. Identifiers: Orphanet 391487, MedGen C3279990, MONDO:0013599, OMIM 614162.

Submission:

Labcorp Genetics (formerly Invitae), Labcorp
Classification: Likely pathogenic for Immunodeficiency 31a; Mycobacterial and viral infections, susceptibility to, autosomal recessive; Immunodeficiency 31C. Last evaluated: 2019-11-21. Review status: criteria provided, single submitter. Criteria: Invitae Variant Classification Sherloc (09022015). Collection method: clinical testing. Allele origin: germline.
Comment: This sequence change replaces lysine with glutamine at codon 286 of the STAT1 protein (p.Lys286Gln). The lysine residue is highly conserved and there is a small physicochemical difference between lysine and glutamine. This variant is not present in population databases (ExAC no frequency). This variant has been observed in individual(s) with candidiasis (Invitae). In at least one individual the variant was observed to be de novo. Algorithms developed to predict the effect of missense changes on protein structure and function are either unavailable or do not agree on the potential impact of this missense change (SIFT: "Deleterious"; PolyPhen-2: "Possibly Damaging"; Align-GVGD: "Class C0"). In summary, the currently available evidence indicates that the variant is pathogenic, but additional data are needed to prove that conclusively. Therefore, this variant has been classified as Likely Pathogenic.